The following is an entry in ClinVar:

ClinVar aggregate classification (germline): Uncertain significance (1 of 4 stars; one submission).

Conditions:
Wilson disease (WND). Also called: Wilson's disease. Identifiers: Orphanet 905, MedGen C0019202, MONDO:0010200, OMIM 277900. Disease mechanism: loss of function.

Allele frequency attached by ClinVar (database versions not stated): gnomAD exomes below 0.00001; ExAC 0.00001.
gnomAD v4.1: 4 of 1,614,048 alleles (0.00025%); highest among the groups gnomAD compares: Non-Finnish European, 0.00034%; no homozygotes.

Submission:

All of Us Research Program, National Institutes of Health
Classification: Uncertain significance for Wilson disease. Last evaluated: 2024-01-11. Review status: criteria provided, single submitter. Criteria: ACMG Guidelines, 2015. Collection method: clinical testing. Allele origin: germline. Inheritance: Autosomal recessive inheritance. Observed: 2 variant alleles, 2 heterozygotes.
Comment: This missense variant replaces isoleucine with threonine at codon 263 of the ATP7B protein. Computational prediction is inconclusive regarding the impact of this variant on protein structure and function (internally defined REVEL score threshold 0.5 < inconclusive < 0.7, PMID: 27666373). To our knowledge, functional studies have not been reported for this variant. This variant has not been reported in individuals affected with ATP7B-related disorders in the literature. This variant has been identified in 1/248510 chromosomes in the general population by the Genome Aggregation Database (gnomAD). The available evidence is insufficient to determine the role of this variant in disease conclusively. Therefore, this variant is classified as a Variant of Uncertain Significance.

This study involves interpretation of variants in research participants for the purpose of population health screening. Participant phenotype was not available at the time of variant classification. Additional details can be found in publication PMID: 35346344, PMCID: PMC8962531

NM_000053.4(ATP7B):c.788T>C (p.Ile263Thr)

Gene: ATP7B (ATPase copper transporting beta; minus strand). Cytogenetic location: 13q14.3.
Variant type: single nucleotide variant.
Coding change: c.788T>C on transcript NM_000053.4 (MANE Select); coding-DNA position 788, T replaced by C.
Protein change: p.Ile263Thr; replaces isoleucine 263 with threonine.
Molecular consequence: missense variant.
Genome position (GRCh38, 1-based): chr13:51,974,432, A>G on the plus strand (T>C on the coding strand, the complement: ATP7B is on the minus strand). VCF-style: chr13-51974432-A-G. GRCh37 (hg19) VCF-style: chr13-52548568-A-G.
Other names: c.692T>C, p.Ile231Thr (NM_001406539.1, NM_001406517.1, NM_001406518.1 and 4 more transcripts); c.788T>C, p.Ile263Thr (NM_001330578.2, NM_001330579.2, NM_001406511.1 and 30 more transcripts); short protein forms I231T, I263T.
Identifiers: ClinVar variation 3070436 (VCV003070436.1), dbSNP rs770273035, ClinGen allele CA6989496.